The following is an entry in ClinVar:

NC_000002.11:g.230656707_(230656943_230657688)del

Gene: TRIP12 (thyroid hormone receptor interactor 12; minus strand).
Variant type: Deletion.
Identifiers: ClinVar variation 4688812 (VCV004688812.1).

ClinVar aggregate classification (germline): Likely pathogenic (1 of 4 stars; one submission).

Conditions:
Clark-Baraitser syndrome. Also called: BARAITSER SYNDROME; Mental retardation, tall stature, obesity, macrocephaly and typical facial features; Intellectual disability, autosomal dominant 49; MENTAL RETARDATION, AUTOSOMAL DOMINANT 49. Identifiers: Orphanet 600731, MedGen C2931130, MONDO:0030914, OMIM 617752.

Submission:

Women's Health and Genetics/Laboratory Corporation of America, LabCorp
Classification: Likely pathogenic for Clark-Baraitser syndrome. Last evaluated: 2025-12-26. Review status: criteria provided, single submitter. Criteria: LabCorp Variant Classification Summary - May 2015. Collection method: clinical testing. Allele origin: germline.
Comment: Variant summary: The variant involves the deletion of exon 28 and a part of exon 29 in the TRIP12 gene. A presumed nomenclature of c.(4141+1_4142-1)_4290del has been designated for the purposes of this classification. Since this Copy Number Variant (CNV) involves a partial deletion of exon 29, it spans a canonical splice-site therefore predicted to result in loss-of-function. Loss-of-function variants in this gene are known to be pathogenic. The variant was absent in 120578 control chromosomes in the gnomAD database (Structural Variants v4.1 dataset). To our knowledge, no occurrence of c.(4141+1_4142-1)_4290del in individuals affected with TRIP12-related conditions and no experimental evidence demonstrating its impact on protein function have been reported. No submitters have cited clinical-significance assessments for this variant to ClinVar. Based on the evidence outlined above, the variant was classified as likely pathogenic.